The following is an entry in ClinVar:

NM_003924.4(PHOX2B):c.373A>G (p.Ile125Val)

Gene: PHOX2B (paired like homeobox 2B; minus strand). Cytogenetic location: 4p13.
Variant type: single nucleotide variant.
Coding change: c.373A>G on transcript NM_003924.4 (MANE Select); coding-DNA position 373, A replaced by G.
Protein change: p.Ile125Val; replaces isoleucine 125 with valine.
Molecular consequence: missense variant.
Genome position (GRCh38, 1-based): chr4:41,747,405, T>C on the plus strand (A>G on the coding strand, the complement: PHOX2B is on the minus strand). VCF-style: chr4-41747405-T-C. GRCh37 (hg19) VCF-style: chr4-41749422-T-C.
Other names: short protein forms I125V.
Identifiers: ClinVar variation 406408 (VCV000406408.15), dbSNP rs560843362, ClinGen allele CA16611439.

ClinVar aggregate classification (germline): Uncertain significance. Review status: criteria provided, multiple submitters, no conflicts (2 of 4 stars). 3 submissions from 3 submitters: Uncertain significance (3). Last evaluated 2026-01-30.

Conditions:
Hereditary cancer-predisposing syndrome. Also called: Hereditary neoplastic syndrome; Neoplastic Syndromes, Hereditary; Hereditary Cancer Syndrome; Tumor predisposition. Identifiers: Orphanet 140162, MedGen C0027672, MeSH D009386, MONDO:0015356.
Haddad syndrome (OHD). Also called: Ondine-Hirschsprung disease. Identifiers: Orphanet 99803, MedGen C1859049, MONDO:0020493.

Allele frequency attached by ClinVar (database versions not stated): TOPMed below 0.00001; gnomAD 0.00001; gnomAD exomes 0.00001.
gnomAD v4.1: 9 of 1,610,452 alleles (0.00056%); highest among the groups gnomAD compares: Non-Finnish European, 0.00068%; no homozygotes.

Submissions (3):

GeneDx
Classification: Uncertain significance. Last evaluated: 2026-01-30. Review status: criteria provided, single submitter. Criteria: GeneDx Variant Classification Process June 2021. Collection method: clinical testing. Allele origin: germline.
Comment: Not observed at significant frequency in large population cohorts (gnomAD); In silico analysis suggests that this missense variant does not alter protein structure/function; Has not been previously published as pathogenic or benign to our knowledge

Ambry Genetics
Classification: Uncertain significance for Hereditary cancer-predisposing syndrome. Last evaluated: 2025-05-27. Review status: criteria provided, single submitter. Criteria: Ambry Variant Classification Scheme 2023. Collection method: clinical testing. Allele origin: germline.
Comment: The p.I125V variant (also known as c.373A>G), located in coding exon 2 of the PHOX2B gene, results from an A to G substitution at nucleotide position 373. The isoleucine at codon 125 is replaced by valine, an amino acid with highly similar properties. This amino acid position is highly conserved in available vertebrate species. In addition, the in silico prediction for this alteration is inconclusive. Since supporting evidence is limited at this time, the clinical significance of this alteration remains unclear.

Labcorp Genetics (formerly Invitae), Labcorp
Classification: Uncertain significance for Haddad syndrome. Last evaluated: 2024-07-08. Review status: criteria provided, single submitter. Criteria: Invitae Variant Classification Sherloc (09022015). Collection method: clinical testing. Allele origin: germline.
Comment: This sequence change replaces isoleucine, which is neutral and non-polar, with valine, which is neutral and non-polar, at codon 125 of the PHOX2B protein (p.Ile125Val). This variant is present in population databases (rs560843362, gnomAD 0.007%). This variant has not been reported in the literature in individuals affected with PHOX2B-related conditions. ClinVar contains an entry for this variant (Variation ID: 406408). Advanced modeling of protein sequence and biophysical properties (such as structural, functional, and spatial information, amino acid conservation, physicochemical variation, residue mobility, and thermodynamic stability) performed at Invitae indicates that this missense variant is not expected to disrupt PHOX2B protein function with a negative predictive value of 80%. In summary, the available evidence is currently insufficient to determine the role of this variant in disease. Therefore, it has been classified as a Variant of Uncertain Significance.